The following is an entry in ClinVar:

NM_138409.4(MRAP2):c.511A>C (p.Asn171His)

Gene: MRAP2 (melanocortin 2 receptor accessory protein 2; plus strand). Cytogenetic location: 6q14.2.
Variant type: single nucleotide variant.
Coding change: c.511A>C on transcript NM_138409.4 (MANE Select); coding-DNA position 511, A replaced by C.
Protein change: p.Asn171His; replaces asparagine 171 with histidine.
Molecular consequence: missense variant.
Genome position (GRCh38, 1-based): chr6:84,089,374, A>C. VCF-style: chr6-84089374-A-C. GRCh37 (hg19) VCF-style: chr6-84799093-A-C.
Other names: c.511A>C (NM_138409.3); c.253A>C, p.Asn85His (NM_001346541.2); c.511A>C, p.Asn171His (NM_001346542.2, NM_001346544.2); c.346A>C, p.Asn116His (NM_001346543.2); short protein forms N85H, N171H, N116H.
Identifiers: ClinVar variation 4697569 (VCV004697569.2).

ClinVar aggregate classification (germline): Uncertain significance. Review status: criteria provided, multiple submitters, no conflicts (2 of 4 stars). 2 submissions from 2 submitters: Uncertain significance (2). Last evaluated 2026-03-17.

Conditions:
MRAP2-related disorder. Also called: MRAP2-related condition.

gnomAD v4.1: 1 of 1,614,168 alleles (0.000062%); highest among the groups gnomAD compares: Admixed American, 0.0017%; no homozygotes.

Submissions (2):

PreventionGenetics, part of Exact Sciences
Classification: Uncertain significance for MRAP2-related condition. Last evaluated: 2026-03-17. Review status: criteria provided, single submitter. Criteria: ACMG Guidelines, 2015. Collection method: clinical testing. Allele origin: germline.
Comment: The MRAP2 c.511A>C variant is predicted to result in the amino acid substitution p.Asn171His. To our knowledge, this variant has not been reported in the literature or in a large population database (gnomAD), indicating this variant is rare. At this time, the clinical significance of this variant is uncertain due to the absence of conclusive functional and genetic evidence.

Labcorp Genetics (formerly Invitae), Labcorp
Classification: Uncertain significance. Last evaluated: 2025-12-11. Review status: criteria provided, single submitter. Criteria: Invitae Variant Classification Sherloc (09022015). Collection method: clinical testing. Allele origin: germline.
Comment: This sequence change replaces asparagine, which is neutral and polar, with histidine, which is basic and polar, at codon 171 of the MRAP2 protein (p.Asn171His). This variant is not present in population databases (gnomAD no frequency). This variant has not been reported in the literature in individuals affected with MRAP2-related conditions. An algorithm developed to predict the effect of missense changes on protein structure and function outputs the following: PolyPhen-2: "Benign". The histidine amino acid residue is found in multiple mammalian species, which suggests that this missense change does not adversely affect protein function. In summary, the available evidence is currently insufficient to determine the role of this variant in disease. Therefore, it has been classified as a Variant of Uncertain Significance.